The following is an entry in ClinVar:

ClinVar aggregate classification (germline): Uncertain significance. Review status: criteria provided, multiple submitters, no conflicts (2 of 4 stars). 3 submissions from 3 submitters: Uncertain significance (3). Last evaluated 2025-01-21.

Conditions:
Neurodegeneration with ataxia and late-onset optic atrophy. Identifiers: MedGen C5543254, MONDO:0031006, OMIM 619259.
Hereditary cancer-predisposing syndrome. Also called: Tumor predisposition; Hereditary Cancer Syndrome; Hereditary neoplastic syndrome; Neoplastic Syndromes, Hereditary. Identifiers: Orphanet 140162, MedGen C0027672, MeSH D009386, MONDO:0015356.

Submissions (3):

Ambry Genetics
Classification: Uncertain significance for Hereditary cancer-predisposing syndrome. Last evaluated: 2025-01-21. Review status: criteria provided, single submitter. Criteria: Ambry Variant Classification Scheme 2023. Collection method: clinical testing. Allele origin: germline.
Comment: The c.1259A>C variant (also known as p.Q420P), located in coding exon 9 of the SDHA gene, results from an A to C substitution at nucleotide position 1259. The glutamine at codon 420 is replaced by proline, an amino acid with similar properties. This amino acid position is highly conserved in available vertebrate species. In addition, this alteration is predicted to be deleterious by in silico analysis. This nucleotide position is highly conserved in available vertebrate species. In silico splice site analysis predicts that this alteration will weaken the native splice donor site; however, direct evidence is insufficient at this time (Ambry internal data). Based on the available evidence, the clinical significance of this variant remains unclear.

Kariminejad - Najmabadi Pathology & Genetics Center
Classification: Uncertain significance for Neurodegeneration with ataxia and late-onset optic atrophy. Last evaluated: 2021-05-12. Review status: criteria provided, single submitter. Criteria: ACMG Guidelines, 2015. Collection method: clinical testing. Allele origin: germline. Inheritance: Autosomal dominant inheritance. Affected: yes.
Comment: PM1, PM2, PP3

Blueprint Genetics
Classification: Uncertain significance. Last evaluated: 2019-04-25. Review status: criteria provided, single submitter. Criteria: ACMG Guidelines, 2015. Collection method: clinical testing. Allele origin: germline.

NM_004168.4(SDHA):c.1259A>C (p.Gln420Pro)

Gene: SDHA (succinate dehydrogenase complex flavoprotein subunit A; plus strand). Cytogenetic location: 5p15.33.
Variant type: single nucleotide variant.
Coding change: c.1259A>C on transcript NM_004168.4 (MANE Select); coding-DNA position 1259, A replaced by C.
Protein change: p.Gln420Pro; replaces glutamine 420 with proline.
Molecular consequence: missense variant.
Genome position (GRCh38, 1-based): chr5:235,338, A>C. VCF-style: chr5-235338-A-C. GRCh37 (hg19) VCF-style: chr5-235453-A-C.
Other names: c.1115A>C, p.Gln372Pro (NM_001294332.2); c.1259A>C, p.Gln420Pro (NM_001330758.2); short protein forms Q420P, Q372P.
Identifiers: ClinVar variation 3793525 (VCV003793525.3).